The following is an entry in ClinVar:

NM_001267550.2(TTN):c.106604T>C (p.Val35535Ala)

Genes: TTN (titin; minus strand), TTN-AS1 (TTN antisense RNA 1; plus strand). Cytogenetic location: 2q31.2.
Variant type: single nucleotide variant.
Coding change: c.106604T>C on transcript NM_001267550.2 (MANE Select); coding-DNA position 106604, T replaced by C.
Protein change: p.Val35535Ala; replaces valine 35535 with alanine.
Molecular consequence: missense variant.
Genome position (GRCh38, 1-based): chr2:178,529,147, A>G on the plus strand (T>C on the coding strand, the complement: TTN is on the minus strand). VCF-style: chr2-178529147-A-G. GRCh37 (hg19) VCF-style: chr2-179393874-A-G.
Other names: c.101681T>C, p.Val33894Ala (NM_001256850.1); c.79409T>C, p.Val26470Ala (NM_003319.4); c.98900T>C, p.Val32967Ala (NM_133378.4); c.79784T>C, p.Val26595Ala (NM_133432.3); c.79985T>C, p.Val26662Ala (NM_133437.4); short protein forms V35535A, V32967A, V26470A, V33894A, V26595A, V26662A.
Identifiers: ClinVar variation 466758 (VCV000466758.21), dbSNP rs368179478, ClinGen allele CA1985065.
Genomic context (GRCh38, chr2:178,529,147, plus strand): 5'-GCCTCTGACATCTTAATTTCTTCAGACCTTAGGGCTTTTTGGGAAATTTCCTCTTGGACA[A>G]CAGCTTTCTTCTGAGGTGTAATTTCAGAAGTCTTTTGTGTAGAGACTTTCTGTGCCTCAG-3'
Protein context (NP_001254479.2, residues 35525-35545): TSEITPQKKA[Val35535Ala]VQEEISQKAL

ClinVar aggregate classification (germline): Conflicting classifications of pathogenicity. Review status: criteria provided, conflicting classifications (1 of 4 stars). 5 submissions from 5 submitters: Uncertain significance (4); Likely benign (1). Last evaluated 2026-08-14.

Conditions:
Cardiovascular phenotype. Identifiers: MedGen CN230736.
TTN-related disorder. Also called: TTN-related condition; TTN-related disease; TTN-related disorders.
Autosomal recessive limb-girdle muscular dystrophy type 2J (LGMDR10). Also called: Limb-girdle muscular dystrophy, type 2J; MUSCULAR DYSTROPHY, LIMB-GIRDLE, AUTOSOMAL RECESSIVE 10. Identifiers: Orphanet 140922, MedGen C1837342, MONDO:0012127, OMIM 608807.
Dilated cardiomyopathy 1G (CMD1G). Identifiers: Orphanet 154, MedGen C1858763, MONDO:0011400, OMIM 604145.

Allele frequency attached by ClinVar (database versions not stated): gnomAD exomes below 0.00001 and 0.00002; ExAC 0.00001; gnomAD 0.00005 and 0.00006; TOPMed 0.00007; ESP Exome Variant Server 0.00009.
gnomAD v4.1: 13 of 1,581,274 alleles (0.00082%); highest among the groups gnomAD compares: African/African-American, 0.016%; no homozygotes.

Submissions (5):

PreventionGenetics, part of Exact Sciences
Classification: Uncertain significance for TTN-related condition. Last evaluated: 2026-08-14. Review status: criteria provided, single submitter. Criteria: ACMG Guidelines, 2015. Collection method: clinical testing. Allele origin: germline.
Comment: The TTN c.106604T>C variant is predicted to result in the amino acid substitution p.Val35535Ala. To our knowledge, this variant has not been reported in the literature. This variant is reported in 0.030% of alleles in individuals of African descent in gnomAD. At this time, the clinical significance of this variant is uncertain due to the absence of conclusive functional and genetic evidence.

Labcorp Genetics (formerly Invitae), Labcorp
Classification: Uncertain significance for Dilated cardiomyopathy 1G; Autosomal recessive limb-girdle muscular dystrophy type 2J. Last evaluated: 2025-12-16. Review status: criteria provided, single submitter. Criteria: Invitae Variant Classification Sherloc (09022015). Collection method: clinical testing. Allele origin: germline.
Comment: This sequence change replaces valine, which is neutral and non-polar, with alanine, which is neutral and non-polar, at codon 35535 of the TTN protein (p.Val35535Ala). This variant is present in population databases (rs368179478, gnomAD 0.03%). This variant has not been reported in the literature in individuals affected with TTN-related conditions. ClinVar contains an entry for this variant (Variation ID: 466758). An algorithm developed to predict the effect of missense changes on protein structure and function outputs the following: PolyPhen-2: "Not Available". The alanine amino acid residue is found in multiple mammalian species, which suggests that this missense change does not adversely affect protein function. This variant is located in the M band of TTN (PMID: 25589632). Non-truncating variants in this region may be relevant for neuromuscular disorders, but have not been definitively shown to cause cardiomyopathy (PMID: 23975875). In summary, the available evidence is currently insufficient to determine the role of this variant in disease. Therefore, it has been classified as a Variant of Uncertain Significance.

Revvity Omics, Revvity
Classification: Uncertain significance. Last evaluated: 2021-02-18. Review status: criteria provided, single submitter. Criteria: ACMG Guidelines, 2015. Collection method: clinical testing. Allele origin: germline.

Ambry Genetics
Classification: Likely benign for Cardiovascular phenotype. Last evaluated: 2020-09-18. Review status: criteria provided, single submitter. Criteria: Ambry Variant Classification Scheme 2023. Collection method: clinical testing. Allele origin: germline.

Eurofins Ntd Llc (ga)
Classification: Uncertain significance. Last evaluated: 2017-01-23. Review status: criteria provided, single submitter. Criteria: EGL Classification Definitions 2015. Collection method: clinical testing. Allele origin: germline. Observed: 1 variant allele, 1 heterozygote.

Literature cited by the submitters: PubMed 25589632 (cited by Labcorp Genetics (formerly Invitae), Labcorp); PubMed 23975875 (cited by Labcorp Genetics (formerly Invitae), Labcorp).